The following is an entry in ClinVar:

NM_031471.6(FERMT3):c.683+5A>C

Gene: FERMT3 (FERM domain containing kindlin 3; plus strand). Cytogenetic location: 11q13.1.
Variant type: single nucleotide variant.
Coding change: c.683+5A>C on transcript NM_031471.6 (MANE Select); 5 bases into the intron after coding-DNA position 683, A replaced by C.
Molecular consequence: intron variant.
Genome position (GRCh38, 1-based): chr11:64,211,448, A>C. VCF-style: chr11-64211448-A-C. GRCh37 (hg19) VCF-style: chr11-63978920-A-C.
Other names: c.683+5A>C (NM_001382448.1, NM_178443.3, NM_001382362.1 and 1 more transcripts); c.143+5A>C (NM_001382364.1, NM_001382363.1).
Identifiers: ClinVar variation 962092 (VCV000962092.7), dbSNP rs1946435926, ClinGen allele CA1139661985.

ClinVar aggregate classification (germline): Uncertain significance (1 of 4 stars; one submission).

Conditions:
Leukocyte adhesion deficiency 3. Also called: INTEGRIN ACTIVATION DEFICIENCY DISEASE; LEUKOCYTE ADHESION DEFICIENCY 1 VARIANT; Leukocyte adhesion deficiency, type III. Identifiers: Orphanet 2968, Orphanet 99844, MedGen C2748536, MONDO:0013016, OMIM 612840.

Allele frequency attached by ClinVar (database versions not stated): gnomAD exomes below 0.00001.
gnomAD v4.1: 5 of 1,581,624 alleles (0.00032%); highest among the groups gnomAD compares: South Asian, 0.0046%; no homozygotes.

Submission:

Labcorp Genetics (formerly Invitae), Labcorp
Classification: Uncertain significance for Leukocyte adhesion deficiency 3. Last evaluated: 2022-06-13. Review status: criteria provided, single submitter. Criteria: Invitae Variant Classification Sherloc (09022015). Collection method: clinical testing. Allele origin: germline.
Comment: This sequence change falls in intron 5 of the FERMT3 gene. It does not directly change the encoded amino acid sequence of the FERMT3 protein. It affects a nucleotide within the consensus splice site. This variant is not present in population databases (gnomAD no frequency). This variant has not been reported in the literature in individuals affected with FERMT3-related conditions. ClinVar contains an entry for this variant (Variation ID: 962092). Variants that disrupt the consensus splice site are a relatively common cause of aberrant splicing (PMID: 17576681, 9536098). Algorithms developed to predict the effect of sequence changes on RNA splicing suggest that this variant is not likely to affect RNA splicing. In summary, the available evidence is currently insufficient to determine the role of this variant in disease. Therefore, it has been classified as a Variant of Uncertain Significance.

Literature cited by the submitters: PubMed 17576681; PubMed 9536098.